The following is an entry in ClinVar:

ClinVar aggregate classification (germline): Uncertain significance (1 of 4 stars; one submission).

gnomAD v4.1: 15 of 1,614,040 alleles (0.00093%); highest among the groups gnomAD compares: Middle Eastern, 0.016%; no homozygotes.

Submission:

Labcorp Genetics (formerly Invitae), Labcorp
Classification: Uncertain significance. Last evaluated: 2024-11-19. Review status: criteria provided, single submitter. Criteria: Invitae Variant Classification Sherloc (09022015). Collection method: clinical testing. Allele origin: germline.
Comment: This sequence change replaces valine, which is neutral and non-polar, with methionine, which is neutral and non-polar, at codon 462 of the KIDINS220 protein (p.Val462Met). This variant is present in population databases (no rsID available, gnomAD 0.002%). This variant has not been reported in the literature in individuals affected with KIDINS220-related conditions. An algorithm developed to predict the effect of missense changes on protein structure and function (PolyPhen-2) suggests that this variant is likely to be disruptive. In summary, the available evidence is currently insufficient to determine the role of this variant in disease. Therefore, it has been classified as a Variant of Uncertain Significance.

NM_020738.4(KIDINS220):c.1384G>A (p.Val462Met)

Gene: KIDINS220 (kinase D interacting substrate 220; minus strand). Cytogenetic location: 2p25.1.
Variant type: single nucleotide variant.
Coding change: c.1384G>A on transcript NM_020738.4 (MANE Select); coding-DNA position 1384, G replaced by A.
Protein change: p.Val462Met; replaces valine 462 with methionine.
Molecular consequence: missense variant. On other transcripts: non-coding transcript variant (2).
Genome position (GRCh38, 1-based): chr2:8,791,117, C>T on the plus strand (G>A on the coding strand, the complement: KIDINS220 is on the minus strand). VCF-style: chr2-8791117-C-T. GRCh37 (hg19) VCF-style: chr2-8931247-C-T.
Other names: c.1387G>A, p.Val463Met (NM_001348729.2, NM_001348731.2, NM_001348734.2 and 3 more transcripts); c.1384G>A, p.Val462Met (NM_001348732.2, NM_001348735.2, NM_001348738.2 and 3 more transcripts); c.1258G>A, p.Val420Met (NM_001348736.2); short protein forms V420M, V462M, V463M.
Identifiers: ClinVar variation 3616808 (VCV003616808.2).